The following is an entry in ClinVar:

NM_006231.4(POLE):c.5590A>T (p.Ile1864Phe)

Gene: POLE (DNA polymerase epsilon, catalytic subunit; minus strand). Cytogenetic location: 12q24.33.
Variant type: single nucleotide variant.
Coding change: c.5590A>T on transcript NM_006231.4 (MANE Select); coding-DNA position 5590, A replaced by T.
Protein change: p.Ile1864Phe; replaces isoleucine 1864 with phenylalanine.
Molecular consequence: missense variant.
Genome position (GRCh38, 1-based): chr12:132,638,102, T>A on the plus strand (A>T on the coding strand, the complement: POLE is on the minus strand). VCF-style: chr12-132638102-T-A. GRCh37 (hg19) VCF-style: chr12-133214688-T-A.
Other names: short protein forms I1864F.
Identifiers: ClinVar variation 977704 (VCV000977704.4), dbSNP rs2042070838, ClinGen allele CA387374148.

ClinVar aggregate classification (germline): Uncertain significance. Review status: criteria provided, multiple submitters, no conflicts (2 of 4 stars). 2 submissions from 2 submitters: Uncertain significance (2). Last evaluated 2023-04-22.

Submissions (2):

Labcorp Genetics (formerly Invitae), Labcorp
Classification: Uncertain significance. Last evaluated: 2023-04-22. Review status: criteria provided, single submitter. Criteria: Invitae Variant Classification Sherloc (09022015). Collection method: clinical testing. Allele origin: germline.
Comment: This sequence change replaces isoleucine, which is neutral and non-polar, with phenylalanine, which is neutral and non-polar, at codon 1864 of the POLE protein (p.Ile1864Phe). This variant is not present in population databases (gnomAD no frequency). In summary, the available evidence is currently insufficient to determine the role of this variant in disease. Therefore, it has been classified as a Variant of Uncertain Significance. Advanced modeling of protein sequence and biophysical properties (such as structural, functional, and spatial information, amino acid conservation, physicochemical variation, residue mobility, and thermodynamic stability) performed at Invitae indicates that this missense variant is not expected to disrupt POLE protein function. ClinVar contains an entry for this variant (Variation ID: 977704). This variant has not been reported in the literature in individuals affected with POLE-related conditions.

Women's Health and Genetics/Laboratory Corporation of America, LabCorp
Classification: Uncertain significance. Last evaluated: 2020-08-07. Review status: criteria provided, single submitter. Criteria: LabCorp Variant Classification Summary - May 2015. Collection method: clinical testing. Allele origin: germline.
Comment: Variant summary: POLE c.5590A>T (p.Ile1864Phe) results in a non-conservative amino acid change located in the DNA polymerase epsilon, catalytic subunit A, C-terminal domain (IPR013697) of the encoded protein sequence. Three of five in-silico tools predict a damaging effect of the variant on protein function. The variant was absent in 251466 control chromosomes (gnomAD). The available data on variant occurrences in the general population are insufficient to allow any conclusion about variant significance. To our knowledge, no occurrence of c.5590A>T in individuals affected with Colorectal Cancer and no experimental evidence demonstrating its impact on protein function have been reported. No clinical diagnostic laboratories have submitted clinical-significance assessments for this variant to ClinVar after 2014. Based on the evidence outlined above, the variant was classified as uncertain significance.